The following is an entry in ClinVar:

NM_000719.7(CACNA1C):c.2229C>A (p.Ile743=)

Gene: CACNA1C (calcium voltage-gated channel subunit alpha1 C; plus strand). Cytogenetic location: 12p13.33.
Variant type: single nucleotide variant.
Coding change: c.2229C>A on transcript NM_000719.7 (MANE Select); coding-DNA position 2229, C replaced by A.
Protein change: p.Ile743=; no amino-acid change (isoleucine 743 retained).
Molecular consequence: synonymous variant.
Genome position (GRCh38, 1-based): chr12:2,584,507, C>A. VCF-style: chr12-2584507-C-A. GRCh37 (hg19) VCF-style: chr12-2693673-C-A.
Other names: c.2229C>A, p.Ile743= (NM_001129827.2, NM_001129829.2, NM_001129830.3 and 18 more transcripts); c.2220C>A, p.Ile740= (NM_001129844.2); c.2229C>A (NM_000719.6).
Identifiers: ClinVar variation 1615647 (VCV001615647.10), dbSNP rs759734767, ClinGen allele CA6388931.

ClinVar aggregate classification (germline): Conflicting classifications of pathogenicity. Review status: criteria provided, conflicting classifications (1 of 4 stars). 3 submissions from 3 submitters: Uncertain significance (1); Likely benign (2). Last evaluated 2026-01-19.

Conditions:
Long QT syndrome (LQTS). Identifiers: MedGen C0023976, MeSH D008133, MONDO:0002442. Disease mechanism: loss of function. Inheritance: Various modes of inheritance.

Allele frequency attached by ClinVar (database versions not stated): gnomAD exomes 0.00001 and 0.00003; ExAC 0.00002.
gnomAD v4.1: 13 of 1,607,640 alleles (0.00081%); highest among the groups gnomAD compares: East Asian, 0.029%; no homozygotes.

Submissions (3):

Labcorp Genetics (formerly Invitae), Labcorp
Classification: Likely benign for Long QT syndrome. Last evaluated: 2026-01-19. Review status: criteria provided, single submitter. Criteria: Invitae Variant Classification Sherloc (09022015). Collection method: clinical testing. Allele origin: germline.

Women's Health and Genetics/Laboratory Corporation of America, LabCorp
Classification: Likely benign. Last evaluated: 2024-12-17. Review status: criteria provided, single submitter. Criteria: LabCorp Variant Classification Summary - May 2015. Collection method: clinical testing. Allele origin: germline.

GeneDx
Classification: Uncertain significance. Last evaluated: 2024-06-27. Review status: criteria provided, single submitter. Criteria: GeneDx Variant Classification Process June 2021. Collection method: clinical testing. Allele origin: germline. Affected: yes.
Comment: In silico analysis indicates that this variant does not alter splicing; Has not been previously published as pathogenic or benign to our knowledge